The following is an entry in ClinVar:

ClinVar aggregate classification (germline): Uncertain significance (1 of 4 stars; one submission).

Conditions:
Tuberous sclerosis 2 (TSC2). Identifiers: Orphanet 805, MedGen C1860707, MONDO:0013199, OMIM 613254.

Submission:

Labcorp Genetics (formerly Invitae), Labcorp
Classification: Uncertain significance for Tuberous sclerosis 2. Last evaluated: 2024-04-06. Review status: criteria provided, single submitter. Criteria: Invitae Variant Classification Sherloc (09022015). Collection method: clinical testing. Allele origin: germline.
Comment: This sequence change replaces lysine, which is basic and polar, with asparagine, which is neutral and polar, at codon 1544 of the TSC2 protein (p.Lys1544Asn). This variant is not present in population databases (gnomAD no frequency). This variant has not been reported in the literature in individuals affected with TSC2-related conditions. Advanced modeling of protein sequence and biophysical properties (such as structural, functional, and spatial information, amino acid conservation, physicochemical variation, residue mobility, and thermodynamic stability) has been performed at Invitae for this missense variant, however the output from this modeling did not meet the statistical confidence thresholds required to predict the impact of this variant on TSC2 protein function. In summary, the available evidence is currently insufficient to determine the role of this variant in disease. Therefore, it has been classified as a Variant of Uncertain Significance.

NM_000548.5(TSC2):c.4632G>C (p.Lys1544Asn)

Gene: TSC2 (TSC complex subunit 2; plus strand). Cytogenetic location: 16p13.3.
Variant type: single nucleotide variant.
Coding change: c.4632G>C on transcript NM_000548.5 (MANE Select); coding-DNA position 4632, G replaced by C.
Protein change: p.Lys1544Asn; replaces lysine 1544 with asparagine.
Molecular consequence: missense variant. On other transcripts: non-coding transcript variant (5).
Genome position (GRCh38, 1-based): chr16:2,085,292, G>C. VCF-style: chr16-2085292-G-C. GRCh37 (hg19) VCF-style: chr16-2135293-G-C.
Other names: c.4431G>C, p.Lys1477Asn (NM_001077183.3); c.4563G>C, p.Lys1521Asn (NM_001114382.3); c.4323G>C, p.Lys1441Asn (NM_001318827.2); c.4287G>C, p.Lys1429Asn (NM_001318829.2); c.3900G>C, p.Lys1300Asn (NM_001318831.2); c.4464G>C, p.Lys1488Asn (NM_001318832.2); c.4434G>C, p.Lys1478Asn (NM_001363528.2); c.4500G>C, p.Lys1500Asn (NM_001370404.1); and 26 more; short protein forms K1277N, K1344N, K1428N, K1441N, K1458N, K1484N, K1488N, K1501N.
Identifiers: ClinVar variation 2767300 (VCV002767300.3), dbSNP rs2090629438, ClinGen allele CA394304868.